The following is an entry in ClinVar:

ClinVar aggregate classification (germline): Uncertain significance (1 of 4 stars; one submission).

Conditions:
Developmental and epileptic encephalopathy, 30 (DEE30). Also called: Epileptic encephalopathy, early infantile, 30. Identifiers: MedGen C4225360, MONDO:0014595, OMIM 616341.

Submission:

Labcorp Genetics (formerly Invitae), Labcorp
Classification: Uncertain significance for Developmental and epileptic encephalopathy, 30. Last evaluated: 2025-12-25. Review status: criteria provided, single submitter. Criteria: Invitae Variant Classification Sherloc (09022015). Collection method: clinical testing. Allele origin: germline.
Comment: This sequence change replaces glutamic acid, which is acidic and polar, with glycine, which is neutral and non-polar, at codon 343 of the SIK1 protein (p.Glu343Gly). This variant is not present in population databases (gnomAD no frequency). This variant has not been reported in the literature in individuals affected with SIK1-related conditions. An algorithm developed to predict the effect of missense changes on protein structure and function (PolyPhen-2) suggests that this variant is likely to be disruptive. In summary, the available evidence is currently insufficient to determine the role of this variant in disease. Therefore, it has been classified as a Variant of Uncertain Significance.

NM_173354.5(SIK1):c.1028A>G (p.Glu343Gly)

Gene: SIK1 (salt inducible kinase 1; minus strand). Cytogenetic location: 21q22.3.
Variant type: single nucleotide variant.
Coding change: c.1028A>G on transcript NM_173354.5 (MANE Select); coding-DNA position 1028, A replaced by G.
Protein change: p.Glu343Gly; replaces glutamic acid 343 with glycine.
Molecular consequence: missense variant.
Genome position (GRCh38, 1-based): chr21:43,419,950, T>C on the plus strand (A>G on the coding strand, the complement: SIK1 is on the minus strand). VCF-style: chr21-43419950-T-C. GRCh37 (hg19) VCF-style: chr21-44839830-T-C.
Other names: short protein forms E343G.
Identifiers: ClinVar variation 4733053 (VCV004733053.1).